The following is an entry in ClinVar:

ClinVar aggregate classification (germline): Uncertain significance (1 of 4 stars; one submission).

gnomAD v4.1: 44 of 1,614,106 alleles (0.0027%); highest among the groups gnomAD compares: Non-Finnish European, 0.0037%; no homozygotes.

Submission:

Labcorp Genetics (formerly Invitae), Labcorp
Classification: Uncertain significance. Last evaluated: 2021-10-25. Review status: criteria provided, single submitter. Criteria: Invitae Variant Classification Sherloc (09022015). Collection method: clinical testing. Allele origin: germline.
Comment: In summary, the available evidence is currently insufficient to determine the role of this variant in disease. Therefore, it has been classified as a Variant of Uncertain Significance. This variant has not been reported in the literature in individuals affected with JAK1-related conditions. Algorithms developed to predict the effect of missense changes on protein structure and function are either unavailable or do not agree on the potential impact of this missense change (SIFT: "Not Available"; PolyPhen-2: "Benign"; Align-GVGD: "Not Available"). This sequence change replaces arginine with leucine at codon 514 of the JAK1 protein (p.Arg514Leu). The arginine residue is weakly conserved and there is a moderate physicochemical difference between arginine and leucine. This variant is not present in population databases (ExAC no frequency).

NM_002227.4(JAK1):c.1541G>T (p.Arg514Leu)

Gene: JAK1 (Janus kinase 1; minus strand). Cytogenetic location: 1p31.3.
Variant type: single nucleotide variant.
Coding change: c.1541G>T on transcript NM_002227.4 (MANE Select); coding-DNA position 1541, G replaced by T.
Protein change: p.Arg514Leu; replaces arginine 514 with leucine.
Molecular consequence: missense variant.
Genome position (GRCh38, 1-based): chr1:64,855,616, C>A on the plus strand (G>T on the coding strand, the complement: JAK1 is on the minus strand). VCF-style: chr1-64855616-C-A. GRCh37 (hg19) VCF-style: chr1-65321299-C-A.
Other names: c.1541G>T, p.Arg514Leu (NM_001320923.2, NM_001321852.2, NM_001321853.2 and 3 more transcripts); c.1538G>T, p.Arg513Leu (NM_001321857.2); short protein forms R514L, R513L.
Identifiers: ClinVar variation 1389194 (VCV001389194.6), dbSNP rs769801111, ClinGen allele CA23912163.
Genomic context (GRCh38, chr1:64,855,616, plus strand): 5'-TCCGTGCGCAGGATCTGCTTCTTGAGGTGGCTCATGAGGTCTCCCAAGCTGGGGAAGCTG[C>A]GGTCCGAACCGTGCAGACTGTAGCGGCCCTTCTGCACCTCGATCTGAAAGTTCTTGAACT-3'
Protein context (NP_002218.2, residues 504-524): KGRYSLHGSD[Arg514Leu]SFPSLGDLMS